The following is an entry in ClinVar:

ClinVar aggregate classification (germline): Pathogenic/Likely pathogenic. Review status: criteria provided, multiple submitters, no conflicts (2 of 4 stars). 6 submissions from 6 submitters: Pathogenic (3); Likely pathogenic (3). Last evaluated 2026-04-14.

Conditions:
Bardet-Biedl syndrome 14 (BBS14). Identifiers: Orphanet 110, MedGen C2673874, MONDO:0014442, OMIM 615991.
RHYNS syndrome. Also called: RETINITIS PIGMENTOSA SYNDROME; RETINITIS PIGMENTOSA, HYPOPITUITARISM, NEPHRONOPHTHISIS, AND MILD SKELETAL DYSPLASIA. Identifiers: Orphanet 140976, MedGen C1865794, MONDO:0011202, OMIM 602152.
Nephronophthisis 11 (NPHP11). Identifiers: Orphanet 84081, MedGen C3150796, MONDO:0013302, OMIM 613550.
Meckel syndrome, type 3 (MKS3). Also called: MECKEL-GRUBER SYNDROME, TYPE 3. Identifiers: Orphanet 564, MedGen C1846357, MONDO:0011821, OMIM 607361.
Joubert syndrome 6 (JBTS6). Identifiers: Orphanet 475, MedGen C1853153, MONDO:0012539, OMIM 610688.
COACH syndrome 1. Identifiers: Orphanet 1454, MedGen C5435651, MONDO:0800103, OMIM 216360, MONDO:0008996.
TMEM67-related disorder. Also called: TMEM67-related disorders; TMEM67-related condition. Identifiers: MedGen CN239423.
Meckel-Gruber syndrome. Also called: DYSENCEPHALIA SPLANCHNOCYSTICA; GRUBER SYNDROME; Dysencephalia splachnocystica. Identifiers: Orphanet 564, MedGen C0265215, MONDO:0018921.
Joubert syndrome. Also called: Familial aplasia of the vermis; JOUBERT-BOLTSHAUSER SYNDROME. Identifiers: Orphanet 475, MedGen C5979921, MONDO:0018772.

Allele frequency attached by ClinVar (database versions not stated): gnomAD 0.00001; gnomAD exomes 0.00001 and 0.00002; ExAC 0.00002; TOPMed 0.00002.
gnomAD v4.1: 6 of 1,613,758 alleles (0.00037%); highest among the groups gnomAD compares: Admixed American, 0.01%; no homozygotes.

Submissions (6):

PreventionGenetics, part of Exact Sciences
Classification: Pathogenic for TMEM67-related condition. Last evaluated: 2026-04-14. Review status: criteria provided, single submitter. Criteria: ACMG Guidelines, 2015. Collection method: clinical testing. Allele origin: germline.
Comment: The TMEM67 c.863C>A variant is predicted to result in premature protein termination (p.Ser288*). To our knowledge, this variant has not been reported in the literature in individuals with a TMEM67-related disease. This variant is reported in 0.012% of alleles in individuals of Latino descent in gnomAD. Nonsense variants in TMEM67 are expected to be pathogenic. This variant is interpreted as pathogenic.

Labcorp Genetics (formerly Invitae), Labcorp
Classification: Pathogenic for Joubert syndrome; Meckel-Gruber syndrome. Last evaluated: 2025-02-19. Review status: criteria provided, single submitter. Criteria: Invitae Variant Classification Sherloc (09022015). Collection method: clinical testing. Allele origin: germline.
Comment: This sequence change creates a premature translational stop signal (p.Ser288*) in the TMEM67 gene. It is expected to result in an absent or disrupted protein product. Loss-of-function variants in TMEM67 are known to be pathogenic (PMID: 20232449, 23559409). This variant is present in population databases (rs769957689, gnomAD 0.01%). This variant has not been reported in the literature in individuals affected with TMEM67-related conditions. ClinVar contains an entry for this variant (Variation ID: 282355). For these reasons, this variant has been classified as Pathogenic.

Fulgent Genetics
Classification: Likely pathogenic for COACH syndrome 1; RHYNS syndrome; Meckel syndrome, type 3; Joubert syndrome 6; Nephronophthisis 11; Bardet-Biedl syndrome 14. Last evaluated: 2024-03-29. Review status: criteria provided, single submitter. Criteria: ACMG Guidelines, 2015. Collection method: clinical testing. Allele origin: germline.

GeneDx
Classification: Likely pathogenic. Last evaluated: 2023-05-14. Review status: criteria provided, single submitter. Criteria: GeneDx Variant Classification Process June 2021. Collection method: clinical testing. Allele origin: germline. Affected: yes.
Comment: Nonsense variant predicted to result in protein truncation or nonsense mediated decay in a gene for which loss-of-function is a known mechanism of disease; Not observed at significant frequency in large population cohorts (gnomAD); Has not been previously published as pathogenic or benign to our knowledge; This variant is associated with the following publications: (PMID: 31589614)

Blueprint Genetics
Classification: Likely pathogenic for TMEM67-related disorders. Last evaluated: 2020-10-14. Review status: criteria provided, single submitter. Criteria: ACMG Guidelines, 2015. Collection method: clinical testing. Allele origin: germline. Affected: yes. Observed: 1 variant allele.

Eurofins Ntd Llc (ga)
Classification: Pathogenic. Last evaluated: 2015-09-14. Review status: criteria provided, single submitter. Criteria: EGL Classification Definitions 2015. Collection method: clinical testing. Allele origin: germline. Observed: 1 variant allele, 1 heterozygote.

Literature cited by the submitters: PubMed 20232449 (cited by Labcorp Genetics (formerly Invitae), Labcorp); PubMed 23559409 (cited by Labcorp Genetics (formerly Invitae), Labcorp).

NM_153704.6(TMEM67):c.863C>A (p.Ser288Ter)

Gene: TMEM67 (transmembrane protein 67; plus strand). Cytogenetic location: 8q22.1.
Variant type: single nucleotide variant.
Coding change: c.863C>A on transcript NM_153704.6 (MANE Select); coding-DNA position 863, C replaced by A.
Protein change: p.Ser288Ter; replaces serine 288 with a stop codon.
Molecular consequence: nonsense. On other transcripts: non-coding transcript variant (1).
Genome position (GRCh38, 1-based): chr8:93,780,741, C>A. VCF-style: chr8-93780741-C-A. GRCh37 (hg19) VCF-style: chr8-94792969-C-A.
Other names: c.620C>A, p.Ser207Ter (NM_001142301.1); c.863C>A (NM_153704.5); short protein forms S288*, S207*.
Identifiers: ClinVar variation 282355 (VCV000282355.15), dbSNP rs769957689, ClinGen allele CA4807782.
Genomic context (GRCh38, chr8:93,780,741, plus strand): 5'-GTGGACTATTTCAGTTTATCTTTGAAAATACTGCTGGACTGAGCACTGTTCATTCTATTT[C>A]ATTTTGGTAAGGATATTTTGATTGATGAAATGTTATTTTGACTGAATTCAGTGCAGTTAT-3'